The following is an entry in ClinVar:

ClinVar aggregate classification (germline): Conflicting classifications of pathogenicity. Review status: criteria provided, conflicting classifications (1 of 4 stars). 2 submissions from 2 submitters: Uncertain significance (1); Likely benign (1). Last evaluated 2025-11-06.

Conditions:
Emery-Dreifuss muscular dystrophy 5, autosomal dominant (EDMD5). Also called: EMERY-DREIFUSS MUSCULAR DYSTROPHY 5. Identifiers: Orphanet 261, MedGen C2751805, MONDO:0013072, OMIM 612999.

Allele frequency attached by ClinVar (database versions not stated): gnomAD 0.00002 and 0.00004; TOPMed 0.00002; ExAC 0.00004; gnomAD exomes 0.00004 and 0.00005.
gnomAD v4.1: 63 of 1,614,048 alleles (0.0039%); highest among the groups gnomAD compares: Middle Eastern, 0.05%; no homozygotes.

Submissions (2):

Labcorp Genetics (formerly Invitae), Labcorp
Classification: Uncertain significance for Emery-Dreifuss muscular dystrophy 5, autosomal dominant. Last evaluated: 2025-11-06. Review status: criteria provided, single submitter. Criteria: Invitae Variant Classification Sherloc (09022015). Collection method: clinical testing. Allele origin: germline.
Comment: This sequence change replaces valine, which is neutral and non-polar, with alanine, which is neutral and non-polar, at codon 4751 of the SYNE2 protein (p.Val4751Ala). This variant is present in population databases (rs752935094, gnomAD 0.007%). This variant has not been reported in the literature in individuals affected with SYNE2-related conditions. ClinVar contains an entry for this variant (Variation ID: 882918). An algorithm developed to predict the effect of missense changes on protein structure and function (PolyPhen-2) suggests that this variant is likely to be disruptive. In summary, the available evidence is currently insufficient to determine the role of this variant in disease. Therefore, it has been classified as a Variant of Uncertain Significance.

Illumina Laboratory Services, Illumina
Classification: Likely benign for Emery-Dreifuss muscular dystrophy 5, autosomal dominant. Last evaluated: 2018-01-12. Review status: criteria provided, single submitter. Criteria: ICSL Variant Classification Criteria 13 December 2019. Collection method: clinical testing. Allele origin: germline.
Comment: This variant was observed in the ICSL laboratory as part of a predisposition screen in an ostensibly healthy population. It had not been previously curated by ICSL or reported in the Human Gene Mutation Database (HGMD: prior to June 1st, 2018), and was therefore a candidate for classification through an automated scoring system. Utilizing variant allele frequency, disease prevalence and penetrance estimates, and inheritance mode, an automated score was calculated to assess if this variant is too frequent to cause the disease. Based on the score and internal cut-off values, a variant classified as likely benign is not then subjected to further curation. The score for this variant resulted in a classification of likely benign for this disease.

NM_182914.3(SYNE2):c.14252T>C (p.Val4751Ala)

Gene: SYNE2 (spectrin repeat containing nuclear envelope protein 2; plus strand). Cytogenetic location: 14q23.2.
Variant type: single nucleotide variant.
Coding change: c.14252T>C on transcript NM_182914.3 (MANE Select); coding-DNA position 14252, T replaced by C.
Protein change: p.Val4751Ala; replaces valine 4751 with alanine.
Molecular consequence: missense variant.
Genome position (GRCh38, 1-based): chr14:64,130,160, T>C. VCF-style: chr14-64130160-T-C. GRCh37 (hg19) VCF-style: chr14-64596878-T-C.
Other names: c.14252T>C, p.Val4751Ala (NM_015180.6); short protein forms V4751A.
Identifiers: ClinVar variation 882918 (VCV000882918.6), dbSNP rs752935094, ClinGen allele CA7222727.